The following is an entry in ClinVar:

ClinVar aggregate classification (germline): Uncertain significance (1 of 4 stars; one submission).

Allele frequency attached by ClinVar (database versions not stated): gnomAD 0.00001.
gnomAD v4.1: 2 of 1,533,592 alleles (0.00013%); highest among the groups gnomAD compares: Admixed American, 0.004%; no homozygotes.

Submission:

Labcorp Genetics (formerly Invitae), Labcorp
Classification: Uncertain significance. Last evaluated: 2022-10-25. Review status: criteria provided, single submitter. Criteria: Invitae Variant Classification Sherloc (09022015). Collection method: clinical testing. Allele origin: germline.
Comment: Advanced modeling of protein sequence and biophysical properties (such as structural, functional, and spatial information, amino acid conservation, physicochemical variation, residue mobility, and thermodynamic stability) performed at Invitae indicates that this missense variant is not expected to disrupt WNT1 protein function. In summary, the available evidence is currently insufficient to determine the role of this variant in disease. Therefore, it has been classified as a Variant of Uncertain Significance. This variant has not been reported in the literature in individuals affected with WNT1-related conditions. This variant is present in population databases (no rsID available, gnomAD 0.004%). This sequence change replaces arginine, which is basic and polar, with serine, which is neutral and polar, at codon 344 of the WNT1 protein (p.Arg344Ser).

NM_005430.4(WNT1):c.1030C>A (p.Arg344Ser)

Gene: WNT1 (Wnt family member 1; plus strand). Cytogenetic location: 12q13.12.
Variant type: single nucleotide variant.
Coding change: c.1030C>A on transcript NM_005430.4 (MANE Select); coding-DNA position 1030, C replaced by A.
Protein change: p.Arg344Ser; replaces arginine 344 with serine.
Molecular consequence: missense variant.
Genome position (GRCh38, 1-based): chr12:48,981,557, C>A. VCF-style: chr12-48981557-C-A. GRCh37 (hg19) VCF-style: chr12-49375340-C-A.
Other names: short protein forms R344S.
Identifiers: ClinVar variation 1907385 (VCV001907385.5), dbSNP rs1450744081, ClinGen allele CA384638575.